The following is an entry in ClinVar:

NM_020778.5(ALPK3):c.3454C>T (p.Pro1152Ser)

Gene: ALPK3 (alpha kinase 3; plus strand). Cytogenetic location: 15q25.3.
Variant type: single nucleotide variant.
Coding change: c.3454C>T on transcript NM_020778.5 (MANE Select); coding-DNA position 3454, C replaced by T.
Protein change: p.Pro1152Ser; replaces proline 1152 with serine.
Molecular consequence: missense variant.
Genome position (GRCh38, 1-based): chr15:84,858,192, C>T. VCF-style: chr15-84858192-C-T. GRCh37 (hg19) VCF-style: chr15-85401423-C-T.
Other names: short protein forms P1152S.
Identifiers: ClinVar variation 1517004 (VCV001517004.8), dbSNP rs780056277, ClinGen allele CA393360304.
Genomic context (GRCh38, chr15:84,858,192, plus strand): 5'-AGCATAGCCCAGGAGCCCTCCCAAGAGGAGAAGTTCCCAGGGGAGGCTCTGACAGGTCTC[C>T]CGGCAGCTACACCTGAGGAACTGGCTCTAGGGGCCCGGAGGAAGAGATTTCTCCCTAAGG-3'
Protein context (NP_065829.4, residues 1142-1162): KFPGEALTGL[Pro1152Ser]AATPEELALG

ClinVar aggregate classification (germline): Uncertain significance (1 of 4 stars; one submission).

Submission:

Labcorp Genetics (formerly Invitae), Labcorp
Classification: Uncertain significance. Last evaluated: 2024-01-02. Review status: criteria provided, single submitter. Criteria: Invitae Variant Classification Sherloc (09022015). Collection method: clinical testing. Allele origin: germline.
Comment: This sequence change replaces proline, which is neutral and non-polar, with serine, which is neutral and polar, at codon 1354 of the ALPK3 protein (p.Pro1354Ser). This variant is not present in population databases (gnomAD no frequency). This variant has not been reported in the literature in individuals affected with ALPK3-related conditions. ClinVar contains an entry for this variant (Variation ID: 1517004). An algorithm developed to predict the effect of missense changes on protein structure and function (PolyPhen-2) suggests that this variant is likely to be disruptive. In summary, the available evidence is currently insufficient to determine the role of this variant in disease. Therefore, it has been classified as a Variant of Uncertain Significance.